The following is an entry in ClinVar:

NC_000017.10:g.(?_41215330)_(41215996_?)del

Gene: BRCA1 (BRCA1 DNA repair associated; minus strand). Cytogenetic location: 17q21.31.
Variant type: Deletion.
Identifiers: ClinVar variation 3242989 (VCV003242989.1).

ClinVar aggregate classification (germline): Pathogenic (1 of 4 stars; one submission).

Conditions:
Hereditary breast ovarian cancer syndrome. Also called: Hereditary breast and ovarian cancer syndrome; Hereditary breast and ovarian cancer; Hereditary breast and ovarian cancer syndrome (HBOC); Breast and ovarian cancer; Hereditary breast and/or ovarian cancer syndrome; BRCA1- and BRCA2-Associated Hereditary Breast and Ovarian Cancer. Identifiers: Orphanet 145, MedGen C0677776, MeSH D061325, MONDO:0003582. Disease mechanism: loss of function.

Submission:

Labcorp Genetics (formerly Invitae), Labcorp
Classification: Pathogenic for Hereditary breast ovarian cancer syndrome. Last evaluated: 2024-01-12. Review status: criteria provided, single submitter. Criteria: Invitae Variant Classification Sherloc (09022015). Collection method: clinical testing. Allele origin: unknown.
Comment: This variant is a gross deletion of the genomic region encompassing exon(s) 17-18 of the BRCA1 gene. This deletion is out-of-frame, and is expected to create a premature termination codon and result in an absent or disrupted protein product. Loss-of-function variants in BRCA1 are known to be pathogenic (PMID: 20104584). A similar copy number variant has been observed in individual(s) with breast and ovarian cancer (PMID: 12700174, 17333342, 17561994, 18431737). This variant is also known as deletion of exons 18-19. For these reasons, this variant has been classified as Pathogenic.

Literature cited by the submitters: PubMed 20104584; PubMed 12700174; PubMed 17333342; PubMed 17561994; PubMed 18431737.